The following is an entry in ClinVar:

NM_000530.8(MPZ):c.223G>C (p.Asp75His)

Gene: MPZ (myelin protein zero; minus strand). Cytogenetic location: 1q23.3.
Variant type: single nucleotide variant.
Coding change: c.223G>C on transcript NM_000530.8 (MANE Select); coding-DNA position 223, G replaced by C.
Protein change: p.Asp75His; replaces aspartic acid 75 with histidine.
Molecular consequence: missense variant.
Genome position (GRCh38, 1-based): chr1:161,307,269, C>G on the plus strand (G>C on the coding strand, the complement: MPZ is on the minus strand). VCF-style: chr1-161307269-C-G. GRCh37 (hg19) VCF-style: chr1-161277059-C-G.
Other names: c.223G>C, p.Asp75His (NM_001315491.2); short protein forms D75H.
Identifiers: ClinVar variation 1788261 (VCV001788261.2), dbSNP rs2102259788, ClinGen allele CA343350307.

ClinVar aggregate classification (germline): Uncertain significance (1 of 4 stars; one submission).

Conditions:
Inborn genetic diseases. Identifiers: MedGen C0950123, MeSH D030342.

Submission:

Ambry Genetics
Classification: Uncertain significance for Inborn genetic diseases. Last evaluated: 2020-08-28. Review status: criteria provided, single submitter. Criteria: Ambry Variant Classification Scheme 2023. Collection method: clinical testing. Allele origin: germline.
Comment: The p.D75H variant (also known as c.223G>C), located in coding exon 2 of the MPZ gene, results from a G to C substitution at nucleotide position 223. The aspartic acid at codon 75 is replaced by histidine, an amino acid with similar properties. This amino acid position is well conserved in available vertebrate species. In addition, the in silico prediction for this alteration is inconclusive. Since supporting evidence is limited at this time, the clinical significance of this alteration remains unclear.